The following is an entry in ClinVar:

NM_024757.5(EHMT1):c.3612G>A (p.Glu1204=)

Gene: EHMT1 (euchromatic histone lysine methyltransferase 1; plus strand). Cytogenetic location: 9q34.3.
Variant type: single nucleotide variant.
Coding change: c.3612G>A on transcript NM_024757.5 (MANE Select); coding-DNA position 3612, G replaced by A.
Protein change: p.Glu1204=; no amino-acid change (glutamic acid 1204 retained).
Molecular consequence: synonymous variant.
Genome position (GRCh38, 1-based): chr9:137,834,420, G>A. VCF-style: chr9-137834420-G-A. GRCh37 (hg19) VCF-style: chr9-140728872-G-A.
Other names: c.3591G>A, p.Glu1197= (NM_001354263.2).
Identifiers: ClinVar variation 3236906 (VCV003236906.1).

ClinVar aggregate classification (germline): Uncertain significance (1 of 4 stars; one submission).

Conditions:
Kleefstra syndrome 1 (KLEFS1). Identifiers: Orphanet 261494, MedGen C0795833, MONDO:0027407, OMIM 610253.

Submission:

Laboratory of Genetics, Children's Clinical University Hospital Latvia
Classification: Uncertain significance for Kleefstra syndrome 1. Review status: criteria provided, single submitter. Criteria: ACMG Guidelines, 2015. Collection method: curation. Allele origin: de novo. Affected: yes.
Comment: de novo

Literature cited by the submitters: PubMed 39013458.